The following is an entry in ClinVar:

ClinVar aggregate classification (germline): Uncertain significance. Review status: criteria provided, multiple submitters, no conflicts (2 of 4 stars). 2 submissions from 2 submitters: Uncertain significance (2). Last evaluated 2025-01-05.

Conditions:
Inborn genetic diseases. Identifiers: MedGen C0950123, MeSH D030342.

Allele frequency attached by ClinVar (database versions not stated): gnomAD exomes 0.00001; TOPMed 0.00001.
gnomAD v4.1: 22 of 1,614,022 alleles (0.0014%); highest among the groups gnomAD compares: Non-Finnish European, 0.0016%; no homozygotes.

Submissions (2):

Ambry Genetics
Classification: Uncertain significance for Inborn genetic diseases. Last evaluated: 2025-01-05. Review status: criteria provided, single submitter. Criteria: Ambry Variant Classification Scheme 2023. Collection method: clinical testing. Allele origin: germline.
Comment: The p.D294H variant (also known as c.880G>C), located in coding exon 6 of the MECOM gene, results from a G to C substitution at nucleotide position 880. The aspartic acid at codon 294 is replaced by histidine, an amino acid with similar properties. This amino acid position is conserved. In addition, this alteration is predicted to be tolerated by in silico analysis. Based on the available evidence, the clinical significance of this variant remains unclear.

Labcorp Genetics (formerly Invitae), Labcorp
Classification: Uncertain significance. Last evaluated: 2023-07-24. Review status: criteria provided, single submitter. Criteria: Invitae Variant Classification Sherloc (09022015). Collection method: clinical testing. Allele origin: germline.
Comment: In summary, the available evidence is currently insufficient to determine the role of this variant in disease. Therefore, it has been classified as a Variant of Uncertain Significance. An algorithm developed to predict the effect of missense changes on protein structure and function (PolyPhen-2) suggests that this variant is likely to be disruptive. This variant has not been reported in the literature in individuals affected with MECOM-related conditions. This variant is not present in population databases (gnomAD no frequency). This sequence change replaces aspartic acid, which is acidic and polar, with histidine, which is basic and polar, at codon 106 of the MECOM protein (p.Asp106His).

NM_004991.4(MECOM):c.880G>C (p.Asp294His)

Gene: MECOM (MDS1 and EVI1 complex locus; minus strand). Cytogenetic location: 3q26.2.
Variant type: single nucleotide variant.
Coding change: c.880G>C on transcript NM_004991.4 (MANE Select); coding-DNA position 880, G replaced by C.
Protein change: p.Asp294His; replaces aspartic acid 294 with histidine.
Molecular consequence: missense variant.
Genome position (GRCh38, 1-based): chr3:169,122,678, C>G on the plus strand (G>C on the coding strand, the complement: MECOM is on the minus strand). VCF-style: chr3-169122678-C-G. GRCh37 (hg19) VCF-style: chr3-168840466-C-G.
Other names: c.316G>C, p.Asp106His (NM_001366471.2, NM_001366472.2, NM_001366474.2 and 9 more transcripts); c.880G>C, p.Asp294His (NM_001366473.2, NM_001366466.2); c.508G>C, p.Asp170His (NM_001105077.4); c.880G>C (NM_004991.3); short protein forms D106H, D294H, D170H.
Identifiers: ClinVar variation 2869124 (VCV002869124.4), dbSNP rs1731431191, ClinGen allele CA355067505.